The following is an entry in ClinVar:

ClinVar aggregate classification (germline): Uncertain significance. Review status: criteria provided, single submitter (1 of 4 stars). 2 submissions from 2 submitters: Uncertain significance (1). 1 of the submissions does not count toward it. Last evaluated 2022-07-29.

Conditions:
Usher syndrome type 1 (USH1). Also called: RETINITIS PIGMENTOSA AND CONGENITAL DEAFNESS. Identifiers: Orphanet 231169, Orphanet 886, MedGen C1568247, MONDO:0010168, OMIM 276900.

Allele frequency attached by ClinVar (database versions not stated): TOPMed 0.00001; gnomAD exomes below 0.00001.
gnomAD v4.1: 8 of 1,613,872 alleles (0.0005%); highest among the groups gnomAD compares: Admixed American, 0.0017%; no homozygotes.

Submissions (2):

Labcorp Genetics (formerly Invitae), Labcorp
Classification: Uncertain significance. Last evaluated: 2022-07-29. Review status: criteria provided, single submitter. Criteria: Invitae Variant Classification Sherloc (09022015). Collection method: clinical testing. Allele origin: germline.
Comment: This sequence change replaces arginine, which is basic and polar, with histidine, which is basic and polar, at codon 2743 of the CDH23 protein (p.Arg2743His). This variant is not present in population databases (gnomAD no frequency). This variant has not been reported in the literature in individuals affected with CDH23-related conditions. ClinVar contains an entry for this variant (Variation ID: 1038225). Algorithms developed to predict the effect of missense changes on protein structure and function output the following: SIFT: "Tolerated"; PolyPhen-2: "Not Available"; Align-GVGD: "Class C0". The histidine amino acid residue is found in multiple mammalian species, which suggests that this missense change does not adversely affect protein function. In summary, the available evidence is currently insufficient to determine the role of this variant in disease. Therefore, it has been classified as a Variant of Uncertain Significance.

Natera, Inc.
Classification: Uncertain significance for Usher syndrome type 1. Last evaluated: 2020-09-16. Review status: no assertion criteria provided. Collection method: clinical testing. Allele origin: germline. Not counted in ClinVar's aggregate classification.

NM_022124.6(CDH23):c.8228G>A (p.Arg2743His)

Gene: CDH23 (cadherin related 23; plus strand). Cytogenetic location: 10q22.1.
Variant type: single nucleotide variant.
Coding change: c.8228G>A on transcript NM_022124.6 (MANE Select); coding-DNA position 8228, G replaced by A.
Protein change: p.Arg2743His; replaces arginine 2743 with histidine.
Molecular consequence: missense variant.
Genome position (GRCh38, 1-based): chr10:71,807,326, G>A. VCF-style: chr10-71807326-G-A. GRCh37 (hg19) VCF-style: chr10-73567083-G-A.
Other names: c.1508G>A, p.Arg503His (NM_001171933.1, NM_001171934.1); short protein forms R2743H, R503H.
Identifiers: ClinVar variation 1038225 (VCV001038225.3), dbSNP rs1269272160, ClinGen allele CA377130956.